The following is an entry in ClinVar:

ClinVar aggregate classification (germline): Uncertain significance (1 of 4 stars; one submission).

Conditions:
Familial hemiplegic migraine. Identifiers: MedGen C0338484, MONDO:0000700.

Submission:

Labcorp Genetics (formerly Invitae), Labcorp
Classification: Uncertain significance for Familial hemiplegic migraine. Last evaluated: 2022-02-05. Review status: criteria provided, single submitter. Criteria: Invitae Variant Classification Sherloc (09022015). Collection method: clinical testing. Allele origin: germline.
Comment: In summary, the available evidence is currently insufficient to determine the role of this variant in disease. Therefore, it has been classified as a Variant of Uncertain Significance. Advanced modeling of protein sequence and biophysical properties (such as structural, functional, and spatial information, amino acid conservation, physicochemical variation, residue mobility, and thermodynamic stability) performed at Invitae indicates that this missense variant is not expected to disrupt ATP1A2 protein function. This variant has not been reported in the literature in individuals affected with ATP1A2-related conditions. This variant is not present in population databases (gnomAD no frequency). This sequence change replaces phenylalanine, which is neutral and non-polar, with leucine, which is neutral and non-polar, at codon 867 of the ATP1A2 protein (p.Phe867Leu).

NM_000702.4(ATP1A2):c.2599T>C (p.Phe867Leu)

Gene: ATP1A2 (ATPase Na+/K+ transporting subunit alpha 2; plus strand). Cytogenetic location: 1q23.2.
Variant type: single nucleotide variant.
Coding change: c.2599T>C on transcript NM_000702.4 (MANE Select); coding-DNA position 2599, T replaced by C.
Protein change: p.Phe867Leu; replaces phenylalanine 867 with leucine.
Molecular consequence: missense variant.
Genome position (GRCh38, 1-based): chr1:160,136,605, T>C. VCF-style: chr1-160136605-T-C. GRCh37 (hg19) VCF-style: chr1-160106395-T-C.
Other names: short protein forms F867L.
Identifiers: ClinVar variation 1411405 (VCV001411405.6), dbSNP rs2101996133, ClinGen allele CA343251930.